The following is an entry in ClinVar:

ClinVar aggregate classification (germline): Benign/Likely benign. Review status: criteria provided, multiple submitters, no conflicts (2 of 4 stars). 3 submissions from 3 submitters: Benign (1); Likely benign (2). Last evaluated 2020-12-17.

Conditions:
Bartsocas-Papas syndrome 1. Also called: Bartsocas-Papas syndrome; MULTIPLE PTERYGIUM SYNDROME, ASLAN TYPE; PTERYGIUM, POPLITEAL, LETHAL TYPE. Identifiers: Orphanet 1234, MedGen C1849718, MONDO:0009901, OMIM 263650.

Allele frequency attached by ClinVar (database versions not stated): 1000 Genomes Project 30x 0.00468; 1000 Genomes Project 0.00479; ExAC 0.01168; gnomAD exomes 0.01188 and 0.02033; TOPMed 0.01269; gnomAD 0.01303 and 0.01339; ESP Exome Variant Server 0.01684.
gnomAD v4.1: 31,528 of 1,611,782 alleles (2%); highest among the groups gnomAD compares: Non-Finnish European, 2.4%; 383 homozygotes.

Submissions (3):

GeneDx
Classification: Likely benign. Last evaluated: 2020-12-17. Review status: criteria provided, single submitter. Criteria: GeneDx Variant Classification Process June 2021. Collection method: clinical testing. Allele origin: germline. Affected: yes.

Illumina Laboratory Services, Illumina
Classification: Benign for Bartsocas-Papas syndrome 1. Last evaluated: 2018-01-13. Review status: criteria provided, single submitter. Criteria: ICSL Variant Classification Criteria 13 December 2019. Collection method: clinical testing. Allele origin: germline.
Comment: This variant was observed in the ICSL laboratory as part of a predisposition screen in an ostensibly healthy population. It had not been previously curated by ICSL or reported in the Human Gene Mutation Database (HGMD: prior to June 1st, 2018), and was therefore a candidate for classification through an automated scoring system. Utilizing variant allele frequency, disease prevalence and penetrance estimates, and inheritance mode, an automated score was calculated to assess if this variant is too frequent to cause the disease. Based on the score and internal cut-off values, a variant classified as benign is not then subjected to further curation. The score for this variant resulted in a classification of benign for this disease.

Breakthrough Genomics
Classification: Likely benign. Review status: criteria provided, single submitter. Criteria: ACMG Guidelines, 2015. Collection method: not provided. Allele origin: germline. Inheritance: Autosomal recessive inheritance. Affected: yes.

NM_020639.3(RIPK4):c.1425G>A (p.Leu475=)

Gene: RIPK4 (receptor interacting serine/threonine kinase 4; minus strand). Cytogenetic location: 21q22.3.
Variant type: single nucleotide variant.
Coding change: c.1425G>A on transcript NM_020639.3 (MANE Select); coding-DNA position 1425, G replaced by A.
Protein change: p.Leu475=; no amino-acid change (leucine 475 retained).
Molecular consequence: synonymous variant.
Genome position (GRCh38, 1-based): chr21:41,741,768, C>T on the plus strand (G>A on the coding strand, the complement: RIPK4 is on the minus strand). VCF-style: chr21-41741768-C-T. GRCh37 (hg19) VCF-style: chr21-43161928-C-T.
Identifiers: ClinVar variation 340020 (VCV000340020.9), dbSNP rs56092943, ClinGen allele CA10035311.
Genomic context (GRCh38, chr21:41,741,768, plus strand): 5'-GATCTTCCGCGCCAGCAGGAGCTCCACGACACCCCGCACCCTCCTCTCCACGGCCATGTG[C>T]AACGGGGTGGAGCCCCTACGGTTGCTCAGGTTGGGGTTGGCATTGTTGAGCAGCAGCCAC-3'
Protein context (NP_065690.2, residues 465-485): NLSNRRGSTP[Leu475=]HMAVERRVRG